The following is an entry in ClinVar:

NM_003560.4(PLA2G6):c.1205T>A (p.Ile402Asn)

Gene: PLA2G6 (phospholipase A2 group VI; minus strand). Cytogenetic location: 22q13.1.
Variant type: single nucleotide variant.
Coding change: c.1205T>A on transcript NM_003560.4 (MANE Select); coding-DNA position 1205, T replaced by A.
Protein change: p.Ile402Asn; replaces isoleucine 402 with asparagine.
Molecular consequence: missense variant. On other transcripts: intron variant (5).
Genome position (GRCh38, 1-based): chr22:38,128,412, A>T on the plus strand (T>A on the coding strand, the complement: PLA2G6 is on the minus strand). VCF-style: chr22-38128412-A-T. GRCh37 (hg19) VCF-style: chr22-38524419-A-T.
Other names: c.1205T>A, p.Ile402Asn (NM_001349864.2); c.671T>A, p.Ile224Asn (NM_001349867.2); c.527T>A, p.Ile176Asn (NM_001349868.2); c.1186+1042T>A (NM_001349866.2, NM_001199562.3, NM_001349865.2 and 1 more transcripts); c.652+1042T>A (NM_001349869.2); short protein forms I402N, I176N, I224N.
Identifiers: ClinVar variation 341641 (VCV000341641.12), dbSNP rs764199136, ClinGen allele CA10230975.
Genomic context (GRCh38, chr22:38,128,412, plus strand): 5'-GGGACCCCGTGGATGGGTGGGAAGCAGTATTCGGCCCCCACGGTTCTCAGCAGAGTCAAG[A>T]TCGCCTTCCTGGTGACAACTTGTCATGGTTTGGGGAAGGGGAGATGGCACAGGATCAGAA-3'
Protein context (NP_003551.2, residues 392-412): KIGRLVTRKA[Ile402Asn]LTLLRTVGAE

ClinVar aggregate classification (germline): Uncertain significance. Review status: criteria provided, multiple submitters, no conflicts (2 of 4 stars). 3 submissions from 3 submitters: Uncertain significance (3). Last evaluated 2025-09-26.

Conditions:
Infantile neuroaxonal dystrophy (NBIA2A). Also called: Infantile neuroaxonal dystrophy 1; SEITELBERGER DISEASE; NEURODEGENERATION WITH BRAIN IRON ACCUMULATION 2A. Identifiers: Orphanet 35069, MedGen C0270724, MONDO:0024457, OMIM 256600.
PLA2G6-associated neurodegeneration (PLAN). Also called: phospholipase A2-associated neurodegeneration. Identifiers: Orphanet 329303, MedGen CN204472, MONDO:0017998.

Allele frequency attached by ClinVar (database versions not stated): gnomAD 0.00002; TOPMed 0.00003.
gnomAD v4.1: 71 of 1,613,954 alleles (0.0044%); highest among the groups gnomAD compares: Non-Finnish European, 0.0011%; no homozygotes.

Submissions (3):

GeneDx
Classification: Uncertain significance. Last evaluated: 2025-09-26. Review status: criteria provided, single submitter. Criteria: GeneDx Variant Classification Process June 2021. Collection method: clinical testing. Allele origin: germline. Affected: yes.
Comment: In silico analysis supports that this missense variant has a deleterious effect on protein structure/function; Has not been previously published as pathogenic or benign to our knowledge

Labcorp Genetics (formerly Invitae), Labcorp
Classification: Uncertain significance for Infantile neuroaxonal dystrophy. Last evaluated: 2022-08-20. Review status: criteria provided, single submitter. Criteria: Invitae Variant Classification Sherloc (09022015). Collection method: clinical testing. Allele origin: germline.
Comment: This sequence change replaces isoleucine, which is neutral and non-polar, with asparagine, which is neutral and polar, at codon 402 of the PLA2G6 protein (p.Ile402Asn). This variant is present in population databases (rs764199136, gnomAD 0.1%). This variant has not been reported in the literature in individuals affected with PLA2G6-related conditions. ClinVar contains an entry for this variant (Variation ID: 341641). Advanced modeling of protein sequence and biophysical properties (such as structural, functional, and spatial information, amino acid conservation, physicochemical variation, residue mobility, and thermodynamic stability) performed at Invitae indicates that this missense variant is expected to disrupt PLA2G6 protein function. In summary, the available evidence is currently insufficient to determine the role of this variant in disease. Therefore, it has been classified as a Variant of Uncertain Significance.

Illumina Laboratory Services, Illumina
Classification: Uncertain significance for PLA2G6-associated neurodegeneration. Last evaluated: 2018-01-13. Review status: criteria provided, single submitter. Criteria: ICSL Variant Classification Criteria 13 December 2019. Collection method: clinical testing. Allele origin: germline.